The following is an entry in ClinVar:

ClinVar aggregate classification (germline): Uncertain significance (1 of 4 stars; one submission).

Conditions:
Duchenne muscular dystrophy (DMD). Also called: MUSCULAR DYSTROPHY, PSEUDOHYPERTROPHIC PROGRESSIVE, DUCHENNE TYPE; Duchenne Muscular Dystrophy (DMD). Identifiers: Orphanet 98896, MedGen C0013264, MONDO:0010679, OMIM 310200.

Submission:

Labcorp Genetics (formerly Invitae), Labcorp
Classification: Uncertain significance for Duchenne muscular dystrophy. Last evaluated: 2024-10-28. Review status: criteria provided, single submitter. Criteria: Invitae Variant Classification Sherloc (09022015). Collection method: clinical testing. Allele origin: germline.
Comment: This sequence change replaces alanine, which is neutral and non-polar, with valine, which is neutral and non-polar, at codon 2533 of the DMD protein (p.Ala2533Val). This variant is not present in population databases (gnomAD no frequency). This variant has not been reported in the literature in individuals affected with DMD-related conditions. Invitae Evidence Modeling of protein sequence and biophysical properties (such as structural, functional, and spatial information, amino acid conservation, physicochemical variation, residue mobility, and thermodynamic stability) indicates that this missense variant is not expected to disrupt DMD protein function with a negative predictive value of 95%. In summary, the available evidence is currently insufficient to determine the role of this variant in disease. Therefore, it has been classified as a Variant of Uncertain Significance.

NM_004006.3(DMD):c.7598C>T (p.Ala2533Val)

Gene: DMD (dystrophin; minus strand). Cytogenetic location: Xp21.1.
Variant type: single nucleotide variant.
Coding change: c.7598C>T on transcript NM_004006.3 (MANE Select); coding-DNA position 7598, C replaced by T.
Protein change: p.Ala2533Val; replaces alanine 2533 with valine.
Molecular consequence: missense variant.
Genome position (GRCh38, 1-based): chrX:31,729,693, G>A on the plus strand (C>T on the coding strand, the complement: DMD is on the minus strand). VCF-style: chrX-31729693-G-A. GRCh37 (hg19) VCF-style: chrX-31747810-G-A.
Other names: c.7574C>T, p.Ala2525Val (NM_000109.4); c.7586C>T, p.Ala2529Val (NM_004009.3); c.7229C>T, p.Ala2410Val (NM_004010.3); c.3575C>T, p.Ala1192Val (NM_004011.4); c.3566C>T, p.Ala1189Val (NM_004012.4); c.218C>T, p.Ala73Val (NM_004013.3, NM_004020.4, NM_004021.3 and 2 more transcripts); short protein forms A2410V, A1192V, A2525V, A73V, A1189V, A2533V, A2529V.
Identifiers: ClinVar variation 2982718 (VCV002982718.3), dbSNP rs2530034425, ClinGen allele CA412657610.